The following is an entry in ClinVar:

NM_001378964.1(CDON):c.1855G>C (p.Asp619His)

Gene: CDON (cell adhesion associated, oncogene regulated; minus strand). Cytogenetic location: 11q24.2.
Variant type: single nucleotide variant.
Coding change: c.1855G>C on transcript NM_001378964.1 (MANE Select); coding-DNA position 1855, G replaced by C.
Protein change: p.Asp619His; replaces aspartic acid 619 with histidine.
Molecular consequence: missense variant.
Genome position (GRCh38, 1-based): chr11:126,004,073, C>G on the plus strand (G>C on the coding strand, the complement: CDON is on the minus strand). VCF-style: chr11-126004073-C-G. GRCh37 (hg19) VCF-style: chr11-125873968-C-G.
Other names: c.1855G>C, p.Asp619His (NM_001243597.3, NM_016952.6); short protein forms D619H.
Identifiers: ClinVar variation 193724 (VCV000193724.60), dbSNP rs141081456, ClinGen allele CA239335.

ClinVar aggregate classification (germline): Conflicting classifications of pathogenicity. Review status: criteria provided, conflicting classifications (1 of 4 stars). 5 submissions from 5 submitters: Uncertain significance (2); Likely benign (3). Last evaluated 2025-03-03.

Conditions:
Inborn genetic diseases. Identifiers: MedGen C0950123, MeSH D030342.
Holoprosencephaly 11 (HPE11). Identifiers: Orphanet 2162, MedGen C3280215, MONDO:0013642, OMIM 614226.

Allele frequency attached by ClinVar (database versions not stated): gnomAD exomes 0.00041 and 0.00083; ESP Exome Variant Server 0.00054; gnomAD 0.00054 and 0.00056; TOPMed 0.00056; ExAC 0.00062.
gnomAD v4.1: 756 of 1,613,858 alleles (0.047%); highest among the groups gnomAD compares: Middle Eastern, 0.15%; 2 homozygotes.

Submissions (5):

Labcorp Genetics (formerly Invitae), Labcorp
Classification: Likely benign for Holoprosencephaly 11. Last evaluated: 2025-03-03. Review status: criteria provided, single submitter. Criteria: Invitae Variant Classification Sherloc (09022015). Collection method: clinical testing. Allele origin: germline.

Ambry Genetics
Classification: Likely benign for Inborn genetic diseases. Last evaluated: 2021-11-12. Review status: criteria provided, single submitter. Criteria: Ambry Variant Classification Scheme 2023. Collection method: clinical testing. Allele origin: germline.

Illumina Laboratory Services, Illumina
Classification: Likely benign for Holoprosencephaly 11. Last evaluated: 2018-01-13. Review status: criteria provided, single submitter. Criteria: ICSL Variant Classification Criteria 13 December 2019. Collection method: clinical testing. Allele origin: germline.
Comment: This variant was observed in the ICSL laboratory as part of a predisposition screen in an ostensibly healthy population. It had not been previously curated by ICSL or reported in the Human Gene Mutation Database (HGMD: prior to June 1st, 2018), and was therefore a candidate for classification through an automated scoring system. Utilizing variant allele frequency, disease prevalence and penetrance estimates, and inheritance mode, an automated score was calculated to assess if this variant is too frequent to cause the disease. Based on the score and internal cut-off values, a variant classified as likely benign is not then subjected to further curation. The score for this variant resulted in a classification of likely benign for this disease.

CeGaT Center for Human Genetics Tuebingen
Classification: Uncertain significance. Last evaluated: 2017-04-01. Review status: criteria provided, single submitter. Criteria: CeGaT Center For Human Genetics Tuebingen Variant Classification Criteria Version 2. Collection method: clinical testing. Allele origin: germline. Affected: yes. Observed: 1 variant allele.

Eurofins Ntd Llc (ga)
Classification: Uncertain significance. Last evaluated: 2014-05-19. Review status: criteria provided, single submitter. Criteria: EGL Classification Definitions 2015. Collection method: clinical testing. Allele origin: germline. Observed: 1 variant allele, 1 heterozygote.